The following is an entry in ClinVar:

ClinVar aggregate classification (germline): Pathogenic (1 of 4 stars; one submission).

Conditions:
Marfan syndrome (MFS). Also called: MARFAN SYNDROME, TYPE I; Marfan syndrome type 1; Marfan's syndrome; Marfan syndrome, classic; FBN1-Related Marfan Syndrome. Identifiers: Orphanet 284963, Orphanet 558, MedGen C0024796, MONDO:0007947, OMIM 154700.
Familial thoracic aortic aneurysm and aortic dissection (TAAD). Also called: Thoracic aortic aneurysms and dissections. Identifiers: Orphanet 91387, MedGen C4707243, MONDO:0019625.

Submission:

Labcorp Genetics (formerly Invitae), Labcorp
Classification: Pathogenic for Marfan syndrome; Familial thoracic aortic aneurysm and aortic dissection. Last evaluated: 2024-02-21. Review status: criteria provided, single submitter. Criteria: Invitae Variant Classification Sherloc (09022015). Collection method: clinical testing. Allele origin: germline.
Comment: This sequence change creates a premature translational stop signal (p.Ile1447Leufs*28) in the FBN1 gene. It is expected to result in an absent or disrupted protein product. Loss-of-function variants in FBN1 are known to be pathogenic (PMID: 17657824, 19293843). This variant is not present in population databases (gnomAD no frequency). This variant has not been reported in the literature in individuals affected with FBN1-related conditions. For these reasons, this variant has been classified as Pathogenic.

Literature cited by the submitters: PubMed 17657824; PubMed 19293843.

NM_000138.5(FBN1):c.4339del (p.Ile1447fs)

Gene: FBN1 (fibrillin 1; minus strand). Cytogenetic location: 15q21.1.
Variant type: Deletion.
Coding change: c.4339del on transcript NM_000138.5 (MANE Select); coding-DNA position 4339, one base deleted (A; older notation c.4339delA).
Protein change: p.Ile1447fs; shifts the reading frame from isoleucine 1447.
Molecular consequence: frameshift variant.
Genome position (GRCh38, 1-based): chr15:48,470,754, T deleted on the plus strand (A on the coding strand, the reverse complement: FBN1 is on the minus strand). VCF-style (leftmost placement, unchanged base first): chr15-48470753-AT-A. GRCh37 (hg19) VCF-style: chr15-48762950-AT-A.
Other names: c.4339del, p.Ile1447fs (NM_001406716.1); short protein forms I1447fs.
Identifiers: ClinVar variation 3754850 (VCV003754850.2).